The following is an entry in ClinVar:

NM_019842.4(KCNQ5):c.2535A>C (p.Gln845His)

Gene: KCNQ5 (potassium voltage-gated channel subfamily Q member 5; plus strand). Cytogenetic location: 6q13.
Variant type: single nucleotide variant.
Coding change: c.2535A>C on transcript NM_019842.4 (MANE Select); coding-DNA position 2535, A replaced by C.
Protein change: p.Gln845His; replaces glutamine 845 with histidine.
Molecular consequence: missense variant.
Genome position (GRCh38, 1-based): chr6:73,195,150, A>C. VCF-style: chr6-73195150-A-C. GRCh37 (hg19) VCF-style: chr6-73904873-A-C.
Other names: c.2508A>C, p.Gln836His (NM_001160130.2); c.2565A>C, p.Gln855His (NM_001160132.2); c.2592A>C, p.Gln864His (NM_001160133.2); c.2205A>C, p.Gln735His (NM_001160134.2); short protein forms Q735H, Q836H, Q845H, Q855H, Q864H.
Identifiers: ClinVar variation 1714518 (VCV001714518.5), dbSNP rs1765742078, ClinGen allele CA364696518.

ClinVar aggregate classification (germline): Uncertain significance (1 of 4 stars; one submission).

Submission:

Labcorp Genetics (formerly Invitae), Labcorp
Classification: Uncertain significance. Last evaluated: 2022-10-06. Review status: criteria provided, single submitter. Criteria: Invitae Variant Classification Sherloc (09022015). Collection method: clinical testing. Allele origin: germline.
Comment: This sequence change replaces glutamine, which is neutral and polar, with histidine, which is basic and polar, at codon 864 of the KCNQ5 protein (p.Gln864His). This variant is not present in population databases (gnomAD no frequency). This variant has not been reported in the literature in individuals affected with KCNQ5-related conditions. Advanced modeling of protein sequence and biophysical properties (such as structural, functional, and spatial information, amino acid conservation, physicochemical variation, residue mobility, and thermodynamic stability) has been performed at Invitae for this missense variant, however the output from this modeling did not meet the statistical confidence thresholds required to predict the impact of this variant on KCNQ5 protein function. In summary, the available evidence is currently insufficient to determine the role of this variant in disease. Therefore, it has been classified as a Variant of Uncertain Significance.